The following is an entry in ClinVar:

NC_000015.9:g.(?_32964889)_(33010412_?)dup

Genes: GREM1 (gremlin 1, DAN family BMP antagonist; plus strand), SCG5 (secretogranin V; plus strand). Cytogenetic location: 15q13.3.
Variant type: Duplication.
Identifiers: ClinVar variation 1004166 (VCV001004166.7).

ClinVar aggregate classification (germline): Uncertain significance (1 of 4 stars; one submission).

Conditions:
Familial colorectal cancer. Identifiers: MedGen CN280943, MONDO:0023113. Disease mechanism: loss of function.

Submission:

Labcorp Genetics (formerly Invitae), Labcorp
Classification: Uncertain significance for Familial colorectal cancer. Last evaluated: 2020-07-08. Review status: criteria provided, single submitter. Criteria: Invitae Variant Classification Sherloc (09022015). Collection method: clinical testing. Allele origin: germline.
Comment: This variant results in a copy number gain of the genomic region encompassing the promoter of the GREM1 gene. The precise boundaries of this event are unknown. Two different tandem duplications (40 kb and 16 kb) spanning the 3' end of the SCG5 gene and the region upstream of the GREM1 gene have been reported in families with hereditary mixed polyposis syndrome (PMID: 22561515, 25992589, 26493165). However, the gain identified in this individual extends further upstream/downstream of those variants, and the impact of the additional duplicated sequences on GREM1 expression and function has not been established. In summary, the available evidence is currently insufficient to determine the role of this variant in disease. Therefore, it has been classified as a Variant of Uncertain Significance.

Literature cited by the submitters: PubMed 22561515; PubMed 25992589; PubMed 26493165.